The following is an entry in ClinVar:

NM_004859.4(CLTC):c.2874C>A (p.Ser958Arg)

Gene: CLTC (clathrin heavy chain; plus strand). Cytogenetic location: 17q23.1.
Variant type: single nucleotide variant.
Coding change: c.2874C>A on transcript NM_004859.4 (MANE Select); coding-DNA position 2874, C replaced by A.
Protein change: p.Ser958Arg; replaces serine 958 with arginine.
Molecular consequence: missense variant.
Genome position (GRCh38, 1-based): chr17:59,679,474, C>A. VCF-style: chr17-59679474-C-A. GRCh37 (hg19) VCF-style: chr17-57756835-C-A.
Other names: c.2886C>A, p.Ser962Arg (NM_001288653.2); short protein forms S962R, S958R.
Identifiers: ClinVar variation 2729055 (VCV002729055.3), dbSNP rs773163874, ClinGen allele CA400416470.
Genomic context (GRCh38, chr17:59,679,474, plus strand): 5'-CCTCTTCAAAAGTCTTTCTCGCTACCTGGTACGTCGAAAGGATCCAGAATTGTGGGGCAG[C>A]GTGCTGCTGGAAAGCAATCCTTACAGGAGACCCCTAATTGACCAGGTAACATTGGCAAAT-3'
Protein context (NP_004850.1, residues 948-968): VRRKDPELWG[Ser958Arg]VLLESNPYRR

ClinVar aggregate classification (germline): Uncertain significance (1 of 4 stars; one submission).

Submission:

Labcorp Genetics (formerly Invitae), Labcorp
Classification: Uncertain significance. Last evaluated: 2023-12-11. Review status: criteria provided, single submitter. Criteria: Invitae Variant Classification Sherloc (09022015). Collection method: clinical testing. Allele origin: germline.
Comment: This sequence change replaces serine, which is neutral and polar, with arginine, which is basic and polar, at codon 962 of the CLTC protein (p.Ser962Arg). This variant is not present in population databases (gnomAD no frequency). This variant has not been reported in the literature in individuals affected with CLTC-related conditions. Advanced modeling of protein sequence and biophysical properties (such as structural, functional, and spatial information, amino acid conservation, physicochemical variation, residue mobility, and thermodynamic stability) performed at Invitae indicates that this missense variant is not expected to disrupt CLTC protein function with a negative predictive value of 80%. In summary, the available evidence is currently insufficient to determine the role of this variant in disease. Therefore, it has been classified as a Variant of Uncertain Significance.